The following is an entry in ClinVar:

ClinVar aggregate classification (germline): Uncertain significance (1 of 4 stars; one submission).

Conditions:
Inborn genetic diseases. Identifiers: MedGen C0950123, MeSH D030342.

Submission:

Ambry Genetics
Classification: Uncertain significance for Inborn genetic diseases. Last evaluated: 2024-11-12. Review status: criteria provided, single submitter. Criteria: Ambry Variant Classification Scheme 2023. Collection method: clinical testing. Allele origin: germline.
Comment: The c.18_20dupCGG (p.G7dup) alteration is located in exon 1 (coding exon 1) of the TRIO gene. The alteration consists of an in-frame duplication of 3 nucleotides from position 18 to 20, resulting in the duplication of 1 residue. Based on insufficient or conflicting evidence, the clinical significance of this alteration remains unclear.

NM_007118.4(TRIO):c.15CGG[3] (p.Gly7_Ala8insGly)

Gene: TRIO (trio Rho guanine nucleotide exchange factor; plus strand). Cytogenetic location: 5p15.2.
Variant type: Microsatellite.
Coding change: c.15CGG[3] on transcript NM_007118.4 (MANE Select); three copies in a row of the 3-base unit CGG starting at c.15; the reference has two copies in a row; one copy, 3 bases duplicated.
Protein change: p.Gly7_Ala8insGly.
Molecular consequence: non-coding transcript variant (on NR_134469.2).
Genome position (GRCh38, 1-based): chr5:14,143,743-14,143,745, CGG duplicated; duplicating any 3 consecutive bases within chr5:14,143,739-14,143,745 gives the same sequence; the position shown is the placement nearest the transcript's 3' end. VCF-style (leftmost placement, unchanged base first): chr5-14143738-A-AGCG. GRCh37 (hg19) VCF-style: chr5-14143847-A-AGCG.
Identifiers: ClinVar variation 3461699 (VCV003461699.1).